The following is an entry in ClinVar:

ClinVar aggregate classification (germline): Benign. Review status: criteria provided, multiple submitters, no conflicts (2 of 4 stars). 3 submissions from 3 submitters: Benign (3). Last evaluated 2019-01-30.

Conditions:
Premature ovarian failure 5 (POF5). Identifiers: MedGen C1969060, MONDO:0012689, OMIM 611548.

Allele frequency attached by ClinVar (database versions not stated): 1000 Genomes Project 0.00439; 1000 Genomes Project 30x 0.00515; ESP Exome Variant Server 0.00771; gnomAD 0.00855 and 0.00864; TOPMed 0.00890; gnomAD exomes 0.01103; ExAC 0.01596.
gnomAD v4.1: 16,906 of 1,527,154 alleles (1.1%); highest among the groups gnomAD compares: Non-Finnish European, 1.2%; 120 homozygotes.

Submissions (3):

GeneDx
Classification: Benign. Last evaluated: 2019-01-30. Review status: criteria provided, single submitter. Criteria: GeneDx Variant Classification Process June 2021. Collection method: clinical testing. Allele origin: germline. Affected: yes.
Comment: This variant is associated with the following publications: (PMID: 26848058, 17701902, 27798098)

Illumina Laboratory Services, Illumina
Classification: Benign for Premature ovarian failure 5. Last evaluated: 2018-01-13. Review status: criteria provided, single submitter. Criteria: ICSL Variant Classification Criteria 13 December 2019. Collection method: clinical testing. Allele origin: germline.
Comment: This variant was observed in the ICSL laboratory as part of a predisposition screen in an ostensibly healthy population. It had not been previously curated by ICSL or reported in the Human Gene Mutation Database (HGMD: prior to June 1st, 2018), and was therefore a candidate for classification through an automated scoring system. Utilizing variant allele frequency, disease prevalence and penetrance estimates, and inheritance mode, an automated score was calculated to assess if this variant is too frequent to cause the disease. Based on the score and internal cut-off values, a variant classified as benign is not then subjected to further curation. The score for this variant resulted in a classification of benign for this disease.

Breakthrough Genomics
Classification: Benign. Review status: criteria provided, single submitter. Criteria: ACMG Guidelines, 2015. Collection method: not provided. Allele origin: germline. Inheritance: Autosomal dominant inheritance. Affected: yes.

NM_001436401.1(NOBOX):c.1003G>A (p.Asp335Asn)

Gene: NOBOX (NOBOX oogenesis homeobox; minus strand). Cytogenetic location: 7q35.
Variant type: single nucleotide variant.
Coding change: c.1003G>A on transcript NM_001436401.1 (MANE Select); coding-DNA position 1003, G replaced by A.
Protein change: p.Asp335Asn; replaces aspartic acid 335 with asparagine.
Molecular consequence: missense variant.
Genome position (GRCh38, 1-based): chr7:144,399,065, C>T on the plus strand (G>A on the coding strand, the complement: NOBOX is on the minus strand). VCF-style: chr7-144399065-C-T. GRCh37 (hg19) VCF-style: chr7-144096158-C-T.
Other names: NM_001080413.3:c.1354G>A; c.451G>A, p.Asp151Asn (NM_001436402.1); short protein forms D151N, D335N.
Identifiers: ClinVar variation 359142 (VCV000359142.7), dbSNP rs112190116, ClinGen allele CA4544576.